The following is an entry in ClinVar:

ClinVar aggregate classification (germline): Uncertain significance (1 of 4 stars; one submission).

Conditions:
Hypertrophic cardiomyopathy. Also called: HYPERTROPHIC MYOCARDIOPATHY. Identifiers: Orphanet 217569, MedGen C0007194, MeSH D002312, MONDO:0005045, HP:0001639.

gnomAD v4.1: 1 of 1,599,008 alleles (0.000063%); highest among the groups gnomAD compares: Non-Finnish European, 0.000085%; no homozygotes.

Submission:

Labcorp Genetics (formerly Invitae), Labcorp
Classification: Uncertain significance for Hypertrophic cardiomyopathy. Last evaluated: 2021-12-09. Review status: criteria provided, single submitter. Criteria: Invitae Variant Classification Sherloc (09022015). Collection method: clinical testing. Allele origin: germline.
Comment: This sequence change replaces serine, which is neutral and polar, with asparagine, which is neutral and polar, at codon 2 of the JPH2 protein (p.Ser2Asn). This variant is not present in population databases (gnomAD no frequency). This variant has not been reported in the literature in individuals affected with JPH2-related conditions. Algorithms developed to predict the effect of missense changes on protein structure and function are either unavailable or do not agree on the potential impact of this missense change (SIFT: "Tolerated"; PolyPhen-2: "Probably Damaging"; Align-GVGD: "Class C0"). In summary, the available evidence is currently insufficient to determine the role of this variant in disease. Therefore, it has been classified as a Variant of Uncertain Significance.

NM_020433.5(JPH2):c.5G>A (p.Ser2Asn)

Gene: JPH2 (junctophilin 2; minus strand). Cytogenetic location: 20q13.12.
Variant type: single nucleotide variant.
Coding change: c.5G>A on transcript NM_020433.5 (MANE Select); coding-DNA position 5, G replaced by A.
Protein change: p.Ser2Asn; replaces serine 2 with asparagine.
Molecular consequence: missense variant.
Genome position (GRCh38, 1-based): chr20:44,186,701, C>T on the plus strand (G>A on the coding strand, the complement: JPH2 is on the minus strand). VCF-style: chr20-44186701-C-T. GRCh37 (hg19) VCF-style: chr20-42815341-C-T.
Other names: c.5G>A, p.Ser2Asn (NM_175913.4); short protein forms S2N.
Identifiers: ClinVar variation 2038868 (VCV002038868.4), dbSNP rs771997292, ClinGen allele CA409095744.
Genomic context (GRCh38, chr20:44,186,701, plus strand): 5'-TTTCCCCCCTCCCAGCCCCCGCAGTACGCCCCTCCATCATCAAAGTCGAAGCGGCCCCCA[C>T]TCATCTCATCATAGCCCCTGACAACCTCCCCGTCCTCCAGCGTGGGTGCAGAGGGCGTGG-3'
Protein context (NP_065166.2, residues 1-12): M[Ser2Asn]GGRFDFDDGG